The following is an entry in ClinVar:

NM_145046.5(CALR3):c.1064C>T (p.Ala355Val)

Gene: CALR3 (calreticulin 3; minus strand). Cytogenetic location: 19p13.11.
Variant type: single nucleotide variant.
Coding change: c.1064C>T on transcript NM_145046.5 (MANE Select); coding-DNA position 1064, C replaced by T.
Protein change: p.Ala355Val; replaces alanine 355 with valine.
Molecular consequence: missense variant.
Genome position (GRCh38, 1-based): chr19:16,479,222, G>A on the plus strand (C>T on the coding strand, the complement: CALR3 is on the minus strand). VCF-style: chr19-16479222-G-A. GRCh37 (hg19) VCF-style: chr19-16590033-G-A.
Other names: short protein forms A355V.
Identifiers: ClinVar variation 2185592 (VCV002185592.4), dbSNP rs1021462598, ClinGen allele CA305978073.

ClinVar aggregate classification (germline): Uncertain significance (1 of 4 stars; one submission).

Conditions:
Hypertrophic cardiomyopathy 19. Also called: Familial hypertrophic cardiomyopathy 19. Identifiers: MedGen CN077603, MONDO:0013476.

Allele frequency attached by ClinVar (database versions not stated): gnomAD exomes below 0.00001; TOPMed 0.00003.

Submission:

Labcorp Genetics (formerly Invitae), Labcorp
Classification: Uncertain significance for Hypertrophic cardiomyopathy 19. Last evaluated: 2025-04-06. Review status: criteria provided, single submitter. Criteria: Invitae Variant Classification Sherloc (09022015). Collection method: clinical testing. Allele origin: germline.
Comment: This sequence change replaces alanine, which is neutral and non-polar, with valine, which is neutral and non-polar, at codon 355 of the CALR3 protein (p.Ala355Val). This variant is present in population databases (no rsID available, gnomAD 0.007%). This variant has not been reported in the literature in individuals affected with CALR3-related conditions. ClinVar contains an entry for this variant (Variation ID: 2185592). Invitae Evidence Modeling of protein sequence and biophysical properties (such as structural, functional, and spatial information, amino acid conservation, physicochemical variation, residue mobility, and thermodynamic stability) indicates that this missense variant is not expected to disrupt CALR3 protein function with a negative predictive value of 80%. In summary, the available evidence is currently insufficient to determine the role of this variant in disease. Therefore, it has been classified as a Variant of Uncertain Significance.